The following is an entry in ClinVar:

ClinVar aggregate classification (germline): Likely benign. Review status: criteria provided, multiple submitters, no conflicts (2 of 4 stars). 3 submissions from 3 submitters: Likely benign (3). Last evaluated 2026-01-13.

Conditions:
Cholestanol storage disease (CTX). Also called: CTX: Cerebrotendinous xanthomatosis; CEREBRAL CHOLESTERINOSIS; Cerebrotendinous Xanthomatosis. Identifiers: Orphanet 909, MedGen C0238052, MONDO:0008948, OMIM 213700.
Cardiovascular phenotype. Identifiers: MedGen CN230736.

Allele frequency attached by ClinVar (database versions not stated): ExAC 0.00002; gnomAD exomes 0.00003 and 0.00007; TOPMed 0.00003; gnomAD 0.00005; ESP Exome Variant Server 0.00008.
gnomAD v4.1: 104 of 1,614,066 alleles (0.0064%); highest among the groups gnomAD compares: Non-Finnish European, 0.0083%; no homozygotes.

Submissions (3):

Labcorp Genetics (formerly Invitae), Labcorp
Classification: Likely benign for Cholestanol storage disease. Last evaluated: 2026-01-13. Review status: criteria provided, single submitter. Criteria: Invitae Variant Classification Sherloc (09022015). Collection method: clinical testing. Allele origin: germline.

Mayo Clinic Laboratories, Mayo Clinic
Classification: Likely benign. Last evaluated: 2025-10-20. Review status: criteria provided, single submitter. Criteria: ACMG Guidelines, 2015. Collection method: clinical testing. Allele origin: germline. Observed: 1 variant allele.
Comment: BP4, BP7

Ambry Genetics
Classification: Likely benign for Cardiovascular phenotype. Last evaluated: 2023-03-13. Review status: criteria provided, single submitter. Criteria: Ambry Variant Classification Scheme 2023. Collection method: clinical testing. Allele origin: germline.

NM_000784.4(CYP27A1):c.1595G>A (p.Ter532=)

Gene: CYP27A1 (cytochrome P450 family 27 subfamily A member 1; plus strand). Cytogenetic location: 2q35.
Variant type: single nucleotide variant.
Coding change: c.1595G>A on transcript NM_000784.4 (MANE Select); coding-DNA position 1595, G replaced by A.
Protein change: p.Ter532=.
Molecular consequence: synonymous variant.
Genome position (GRCh38, 1-based): chr2:218,815,029, G>A. VCF-style: chr2-218815029-G-A. GRCh37 (hg19) VCF-style: chr2-219679752-G-A.
Other names: p.*532=.
Identifiers: ClinVar variation 1034295 (VCV001034295.13), dbSNP rs150091721, ClinGen allele CA2112949.